The following is an entry in ClinVar:

ClinVar aggregate classification (germline): Uncertain significance (1 of 4 stars; one submission).

Conditions:
Hereditary cancer-predisposing syndrome. Also called: Tumor predisposition; Hereditary neoplastic syndrome; Neoplastic Syndromes, Hereditary; Hereditary Cancer Syndrome. Identifiers: Orphanet 140162, MedGen C0027672, MeSH D009386, MONDO:0015356.

gnomAD v4.1: 1 of 1,613,706 alleles (0.000062%); highest among the groups gnomAD compares: Non-Finnish European, 0.000085%; no homozygotes.

Submission:

Ambry Genetics
Classification: Uncertain significance for Hereditary cancer-predisposing syndrome. Last evaluated: 2025-04-11. Review status: criteria provided, single submitter. Criteria: Ambry Variant Classification Scheme 2023. Collection method: clinical testing. Allele origin: germline.
Comment: The p.G479D variant (also known as c.1436G>A), located in coding exon 10 of the FLCN gene, results from a G to A substitution at nucleotide position 1436. The glycine at codon 479 is replaced by aspartic acid, an amino acid with similar properties. This amino acid position is conserved. In addition, this alteration is predicted to be deleterious by in silico analysis. Based on the available evidence, the clinical significance of this variant remains unclear.

NM_144997.7(FLCN):c.1436G>A (p.Gly479Asp)

Gene: FLCN (folliculin; minus strand). Cytogenetic location: 17p11.2.
Variant type: single nucleotide variant.
Coding change: c.1436G>A on transcript NM_144997.7 (MANE Select); coding-DNA position 1436, G replaced by A.
Protein change: p.Gly479Asp; replaces glycine 479 with aspartic acid.
Molecular consequence: missense variant.
Genome position (GRCh38, 1-based): chr17:17,215,087, C>T on the plus strand (G>A on the coding strand, the complement: FLCN is on the minus strand). VCF-style: chr17-17215087-C-T. GRCh37 (hg19) VCF-style: chr17-17118401-C-T.
Other names: c.1490G>A, p.Gly497Asp (NM_001353229.2); c.1436G>A, p.Gly479Asp (NM_001353230.2, NM_001353231.2); short protein forms G497D, G479D.
Identifiers: ClinVar variation 4025311 (VCV004025311.1).